The following is an entry in ClinVar:

ClinVar aggregate classification (germline): Uncertain significance (1 of 4 stars; one submission).

Submission:

GeneDx
Classification: Uncertain significance. Last evaluated: 2024-09-07. Review status: criteria provided, single submitter. Criteria: GeneDx Variant Classification Process June 2021. Collection method: clinical testing. Allele origin: germline. Affected: yes.
Comment: Not observed at significant frequency in large population cohorts (gnomAD); In silico analysis supports that this missense variant has a deleterious effect on protein structure/function; Has not been previously published as pathogenic or benign to our knowledge

NM_001394372.1(BICRA):c.340A>C (p.Thr114Pro)

Gene: BICRA (BRD4 interacting chromatin remodeling complex associated protein; plus strand). Cytogenetic location: 19q13.33.
Variant type: single nucleotide variant.
Coding change: c.340A>C on transcript NM_001394372.1 (MANE Select); coding-DNA position 340, A replaced by C.
Protein change: p.Thr114Pro; replaces threonine 114 with proline.
Molecular consequence: missense variant.
Genome position (GRCh38, 1-based): chr19:47,679,510, A>C. VCF-style: chr19-47679510-A-C. GRCh37 (hg19) VCF-style: chr19-48182767-A-C.
Other names: c.340A>C, p.Thr114Pro (NM_015711.3); short protein forms T114P.
Identifiers: ClinVar variation 3769911 (VCV003769911.1).